The following is an entry in ClinVar:

ClinVar aggregate classification (germline): Uncertain significance. Review status: criteria provided, multiple submitters, no conflicts (2 of 4 stars). 3 submissions from 3 submitters: Uncertain significance (3). Last evaluated 2026-02-10.

Conditions:
FAH-related disorder. Also called: FAH-related condition.

gnomAD v4.1: 39 of 1,614,030 alleles (0.0024%); highest among the groups gnomAD compares: East Asian, 0.0045%; no homozygotes.

Submissions (3):

PreventionGenetics, part of Exact Sciences
Classification: Uncertain significance for FAH-related condition. Last evaluated: 2026-02-10. Review status: criteria provided, single submitter. Criteria: ACMG Guidelines, 2015. Collection method: clinical testing. Allele origin: germline.
Comment: The FAH c.308G>A variant is predicted to result in the amino acid substitution p.Arg103Gln. To our knowledge, this variant has not been reported in the literature. This variant is reported in 0.0044% of alleles in individuals of European (Non-Finnish) descent in gnomAD. At this time, the clinical significance of this variant is uncertain due to the absence of conclusive functional and genetic evidence.

Women's Health and Genetics/Laboratory Corporation of America, LabCorp
Classification: Uncertain significance. Last evaluated: 2026-01-28. Review status: criteria provided, single submitter. Criteria: LabCorp Variant Classification Summary - May 2015. Collection method: clinical testing. Allele origin: germline.
Comment: Variant summary: FAH c.308G>A (p.Arg103Gln) results in a conservative amino acid change in the encoded protein sequence. Algorithms developed to predict the effect of missense changes on protein structure and function are either unavailable or do not agree on the potential impact of this missense change. The variant allele was found at a frequency of 2.4e-05 in 251254 control chromosomes. The available data on variant occurrences in the general population are insufficient to allow any conclusion about variant significance. To our knowledge, no occurrence of c.308G>A in individuals affected with FAH-related conditions and no experimental evidence demonstrating its impact on protein function have been reported. ClinVar contains an entry for this variant (Variation ID: 3380309). Based on the evidence outlined above, the variant was classified as uncertain significance.

Mayo Clinic Laboratories, Mayo Clinic
Classification: Uncertain significance. Last evaluated: 2023-10-18. Review status: criteria provided, single submitter. Criteria: ACMG Guidelines, 2015. Collection method: clinical testing. Allele origin: germline. Observed: 1 variant allele.

NM_000137.4(FAH):c.308G>A (p.Arg103Gln)

Gene: FAH (fumarylacetoacetate hydrolase; plus strand). Cytogenetic location: 15q25.1.
Variant type: single nucleotide variant.
Coding change: c.308G>A on transcript NM_000137.4 (MANE Select); coding-DNA position 308, G replaced by A.
Protein change: p.Arg103Gln; replaces arginine 103 with glutamine.
Molecular consequence: missense variant.
Genome position (GRCh38, 1-based): chr15:80,159,871, G>A. VCF-style: chr15-80159871-G-A. GRCh37 (hg19) VCF-style: chr15-80452213-G-A.
Other names: p.Arg103Gln; c.308G>A (NM_000137.2); c.308G>A, p.Arg103Gln (NM_001374377.1, NM_001374380.1); short protein forms R103Q.
Identifiers: ClinVar variation 3380309 (VCV003380309.3).